The following is an entry in ClinVar:

NM_002519.3(NPAT):c.133G>A (p.Gly45Arg)

Gene: NPAT (nuclear protein, coactivator of histone transcription; minus strand). Cytogenetic location: 11q22.3.
Variant type: single nucleotide variant.
Coding change: c.133G>A on transcript NM_002519.3 (MANE Select); coding-DNA position 133, G replaced by A.
Protein change: p.Gly45Arg; replaces glycine 45 with arginine.
Molecular consequence: missense variant.
Genome position (GRCh38, 1-based): chr11:108,197,325, C>T on the plus strand (G>A on the coding strand, the complement: NPAT is on the minus strand). VCF-style: chr11-108197325-C-T. GRCh37 (hg19) VCF-style: chr11-108068052-C-T.
Other names: c.133G>A, p.Gly45Arg (NM_001321307.1); short protein forms G45R.
Identifiers: ClinVar variation 1770334 (VCV001770334.2), dbSNP rs1054264948, ClinGen allele CA228408780.

ClinVar aggregate classification (germline): Uncertain significance (1 of 4 stars; one submission).

Allele frequency attached by ClinVar (database versions not stated): gnomAD exomes below 0.00001; gnomAD 0.00001; TOPMed 0.00002.
gnomAD v4.1: 4 of 1,608,206 alleles (0.00025%); highest among the groups gnomAD compares: Non-Finnish European, 0.00034%; no homozygotes.

Submission:

Ambry Genetics
Classification: Uncertain significance. Last evaluated: 2023-12-17. Review status: criteria provided, single submitter. Criteria: Ambry Variant Classification Scheme 2023. Collection method: clinical testing. Allele origin: germline.
Comment: The p.G45R variant (also known as c.133G>A), located in coding exon 2 of the NPAT gene, results from a G to A substitution at nucleotide position 133. The glycine at codon 45 is replaced by arginine, an amino acid with dissimilar properties. This amino acid position is conserved. In addition, the in silico prediction for this alteration is inconclusive. Since supporting evidence is limited at this time, the clinical significance of this alteration remains unclear.